The following is an entry in ClinVar:

NM_182961.4(SYNE1):c.10112C>T (p.Ala3371Val)

Gene: SYNE1 (spectrin repeat containing nuclear envelope protein 1; minus strand). Cytogenetic location: 6q25.2.
Variant type: single nucleotide variant.
Coding change: c.10112C>T on transcript NM_182961.4 (MANE Select); coding-DNA position 10112, C replaced by T.
Protein change: p.Ala3371Val; replaces alanine 3371 with valine.
Molecular consequence: missense variant.
Genome position (GRCh38, 1-based): chr6:152,364,880, G>A on the plus strand (C>T on the coding strand, the complement: SYNE1 is on the minus strand). VCF-style: chr6-152364880-G-A. GRCh37 (hg19) VCF-style: chr6-152686015-G-A.
Other names: c.10133C>T, p.Ala3378Val (NM_033071.5); short protein forms A3371V, A3378V.
Identifiers: ClinVar variation 538404 (VCV000538404.5), dbSNP rs748579024, ClinGen allele CA150213250.

ClinVar aggregate classification (germline): Uncertain significance. Review status: criteria provided, multiple submitters, no conflicts (2 of 4 stars). 2 submissions from 2 submitters: Uncertain significance (2). Last evaluated 2021-09-01.

Conditions:
Autosomal recessive ataxia, Beauce type. Also called: SYNE1-Related Autosomal Recessive Cerebellar Ataxia; Spinocerebellar ataxia, autosomal recessive 8; ATAXIA, RECESSIVE, OF BEAUCE; SYNE1 Deficiency. Identifiers: Orphanet 88644, MedGen C1853116, MONDO:0012549, OMIM 610743.
Emery-Dreifuss muscular dystrophy 4, autosomal dominant (EDMD4). Also called: EMERY-DREIFUSS MUSCULAR DYSTROPHY 4 WITH VARIABLE FEATURES. Identifiers: Orphanet 261, MedGen C2751807, MONDO:0013071, OMIM 612998.

Allele frequency attached by ClinVar (database versions not stated): gnomAD exomes below 0.00001 and 0.00002.
gnomAD v4.1: 26 of 1,614,182 alleles (0.0016%); highest among the groups gnomAD compares: Non-Finnish European, 0.0021%; no homozygotes.

Submissions (2):

Labcorp Genetics (formerly Invitae), Labcorp
Classification: Uncertain significance for Emery-Dreifuss muscular dystrophy 4, autosomal dominant; Autosomal recessive ataxia, Beauce type. Last evaluated: 2021-09-01. Review status: criteria provided, single submitter. Criteria: Invitae Variant Classification Sherloc (09022015). Collection method: clinical testing. Allele origin: germline.

Baylor Genetics
Classification: Uncertain significance for Emery-Dreifuss muscular dystrophy 4, autosomal dominant. Last evaluated: 2018-07-11. Review status: criteria provided, single submitter. Criteria: ACMG Guidelines, 2015. Collection method: clinical testing. Allele origin: maternal. Affected: yes.
Comment: This variant was determined to be of uncertain significance according to ACMG Guidelines, 2015 [PMID:25741868].